The following is an entry in ClinVar:

ClinVar aggregate classification (germline): Uncertain significance (1 of 4 stars; one submission).

gnomAD v4.1: 1 of 1,211,474 alleles (0.000083%); highest among the groups gnomAD compares: Non-Finnish European, 0.00011%; no homozygotes.

Submission:

GeneDx
Classification: Uncertain significance. Last evaluated: 2026-01-12. Review status: criteria provided, single submitter. Criteria: GeneDx Variant Classification Process June 2021. Collection method: clinical testing. Allele origin: germline.
Comment: Not observed at significant frequency in large population cohorts (gnomAD); In silico analysis suggests that this missense variant does not alter protein structure/function; Has not been previously published as pathogenic or benign to our knowledge

NM_031407.7(HUWE1):c.8444G>C (p.Ser2815Thr)

Gene: HUWE1 (HECT, UBA and WWE domain containing E3 ubiquitin protein ligase 1; minus strand). Cytogenetic location: Xp11.22.
Variant type: single nucleotide variant.
Coding change: c.8444G>C on transcript NM_031407.7 (MANE Select); coding-DNA position 8444, G replaced by C.
Protein change: p.Ser2815Thr; replaces serine 2815 with threonine.
Molecular consequence: missense variant.
Genome position (GRCh38, 1-based): chrX:53,554,683, C>G on the plus strand (G>C on the coding strand, the complement: HUWE1 is on the minus strand). VCF-style: chrX-53554683-C-G. GRCh37 (hg19) VCF-style: chrX-53581644-C-G.
Other names: c.8441G>C, p.Ser2814Thr (NM_001441048.1, NM_001441051.1, NM_001441053.1 and 2 more transcripts); c.8444G>C, p.Ser2815Thr (NM_001441049.1, NM_001441054.1, NM_001441057.1); c.8465G>C, p.Ser2822Thr (NM_001441050.1, NM_001441055.1); c.8042G>C, p.Ser2681Thr (NM_001441052.1); short protein forms S2681T, S2814T, S2815T, S2822T.
Identifiers: ClinVar variation 4975236 (VCV004975236.1).
Genomic context (GRCh38, chrX:53,554,683, plus strand): 5'-TTCTACTCACTTATAGTGGGAGCTGGGGATAACTCCATCTGAGTTGTTTCTGCTTCCCCA[C>G]TTGGCCTTGTGGGACCCAATTCCTCTGGCTCTACAGGCATCAATAGCTGTGTAGAGCTGC-3'
Protein context (NP_113584.3, residues 2805-2825): EPEELGPTRP[Ser2815Thr]GEAETTQMEL